The following is an entry in ClinVar:

ClinVar aggregate classification (germline): Conflicting classifications of pathogenicity. Review status: criteria provided, conflicting classifications (1 of 4 stars). 4 submissions from 4 submitters: Uncertain significance (2); Likely benign (2). Last evaluated 2026-01-11.

Conditions:
Congenital muscular dystrophy due to partial LAMA2 deficiency. Identifiers: MedGen C1842898.
Inborn genetic diseases. Identifiers: MedGen C0950123, MeSH D030342.
LAMA2-related muscular dystrophy (LAMA2-RD). Also called: Laminin alpha 2-related dystrophy. Identifiers: MedGen C5679788, MONDO:0100228.

Allele frequency attached by ClinVar (database versions not stated): gnomAD 0.00001 and 0.00005; ExAC 0.00002; TOPMed 0.00002; gnomAD exomes 0.00004 and 0.00016; 1000 Genomes Project 30x 0.00016; 1000 Genomes Project 0.00020.
gnomAD v4.1: 235 of 1,612,560 alleles (0.015%); highest among the groups gnomAD compares: East Asian, 0.52%; 1 homozygote.

Submissions (4):

Labcorp Genetics (formerly Invitae), Labcorp
Classification: Likely benign for LAMA2-related muscular dystrophy. Last evaluated: 2026-01-11. Review status: criteria provided, single submitter. Criteria: Invitae Variant Classification Sherloc (09022015). Collection method: clinical testing. Allele origin: germline.

Women's Health and Genetics/Laboratory Corporation of America, LabCorp
Classification: Likely benign. Last evaluated: 2025-12-12. Review status: criteria provided, single submitter. Criteria: LabCorp Variant Classification Summary - May 2015. Collection method: clinical testing. Allele origin: germline.
Comment: Variant summary: LAMA2 c.718T>C (p.Tyr240His) results in a conservative amino acid change in the encoded protein sequence. Algorithms developed to predict the effect of missense changes on protein structure and function are either unavailable or do not agree on the potential impact of this missense change. The variant allele was found at a frequency of 0.00015 in 1612560 control chromosomes, predominantly at a frequency of 0.0052 within the East Asian subpopulation in the gnomAD database, including 1 homozygote. The observed variant frequency within East Asian control individuals in the gnomAD database exceeds the estimated maximal expected allele frequency for disease-causing variants in LAMA2. To our knowledge, no occurrence of c.718T>C in individuals affected with LAMA2-related conditions and no experimental evidence demonstrating its impact on protein function have been reported. ClinVar contains an entry for this variant (Variation ID: 904444). Based on the evidence outlined above, the variant was classified as likely benign.

Ambry Genetics
Classification: Uncertain significance for Inborn genetic diseases. Last evaluated: 2025-10-15. Review status: criteria provided, single submitter. Criteria: Ambry Variant Classification Scheme 2023. Collection method: clinical testing. Allele origin: germline.

Illumina Laboratory Services, Illumina
Classification: Uncertain significance for Congenital muscular dystrophy due to partial LAMA2 deficiency. Last evaluated: 2018-01-13. Review status: criteria provided, single submitter. Criteria: ICSL Variant Classification Criteria 13 December 2019. Collection method: clinical testing. Allele origin: germline.

NM_000426.4(LAMA2):c.718T>C (p.Tyr240His)

Gene: LAMA2 (laminin subunit alpha 2; plus strand). Cytogenetic location: 6q22.33.
Variant type: single nucleotide variant.
Coding change: c.718T>C on transcript NM_000426.4 (MANE Select); coding-DNA position 718, T replaced by C.
Protein change: p.Tyr240His; replaces tyrosine 240 with histidine.
Molecular consequence: missense variant.
Genome position (GRCh38, 1-based): chr6:129,143,979, T>C. VCF-style: chr6-129143979-T-C. GRCh37 (hg19) VCF-style: chr6-129465124-T-C.
Other names: c.718T>C, p.Tyr240His (NM_001079823.2); short protein forms Y240H.
Identifiers: ClinVar variation 904444 (VCV000904444.11), dbSNP rs3778142, ClinGen allele CA3992410.